The following is an entry in ClinVar:

ClinVar aggregate classification (germline): Pathogenic (1 of 4 stars; one submission).

Conditions:
Pigmentary pallidal degeneration (NBIA1). Also called: PKAN NEUROAXONAL DYSTROPHY, JUVENILE-ONSET; HARP SYNDROME; Pantothenate Kinase-Associated Neurodegeneration; Neuroaxonal dystrophy, late infantile; Hallervorden-Spatz disease; Neurodegeneration with brain iron accumulation 1. Identifiers: Orphanet 157850, MedGen C0018523, MONDO:0009319, OMIM 234200.

Allele frequency attached by ClinVar (database versions not stated): TOPMed 0.00001.

Submission:

Labcorp Genetics (formerly Invitae), Labcorp
Classification: Pathogenic for Pigmentary pallidal degeneration. Last evaluated: 2023-07-09. Review status: criteria provided, single submitter. Criteria: Invitae Variant Classification Sherloc (09022015). Collection method: clinical testing. Allele origin: germline.
Comment: This sequence change creates a premature translational stop signal (p.Met531Alafs*34) in the PANK2 gene. While this is not anticipated to result in nonsense mediated decay, it is expected to disrupt the last 40 amino acid(s) of the PANK2 protein. For these reasons, this variant has been classified as Pathogenic. This variant disrupts a region of the PANK2 protein in which other variant(s) (p.Leu563His) have been determined to be pathogenic (PMID: 28881514, 33853092; Invitae). This suggests that this is a clinically significant region of the protein, and that variants that disrupt it are likely to be disease-causing. This variant has not been reported in the literature in individuals affected with PANK2-related conditions. This variant is not present in population databases (gnomAD no frequency).

Literature cited by the submitters: PubMed 28881514; PubMed 33853092.

NM_001386393.1(PANK2):c.1261_1262del (p.Met421fs)

Gene: PANK2 (pantothenate kinase 2; plus strand). Cytogenetic location: 20p13.
Variant type: Deletion.
Coding change: c.1261_1262del on transcript NM_001386393.1 (MANE Select); coding-DNA positions 1261 to 1262, 2 bases deleted (AT; older notation c.1261_1262delAT).
Protein change: p.Met421fs; shifts the reading frame from methionine 421.
Molecular consequence: frameshift variant. On other transcripts: non-coding transcript variant (1).
Genome position (GRCh38, 1-based): chr20:3,918,725-3,918,726, AT deleted. VCF-style (leftmost placement, unchanged base first): chr20-3918724-CAT-C. GRCh37 (hg19) VCF-style: chr20-3899371-CAT-C.
Other names: c.718_719del, p.Met240fs (NM_001324191.2, NM_024960.6, NM_153640.4); c.283_284del, p.Met95fs (NM_001324193.2); c.1591_1592del, p.Met531fs (NM_153638.4); short protein forms M421fs, M531fs, M240fs, M95fs.
Identifiers: ClinVar variation 2918027 (VCV002918027.3), dbSNP rs1187082329, ClinGen allele CA744224839.